The following is an entry in ClinVar:

NM_000096.4(CP):c.811C>T (p.Pro271Ser)

Gene: CP (ceruloplasmin; minus strand). Cytogenetic location: 3q25.1.
Variant type: single nucleotide variant.
Coding change: c.811C>T on transcript NM_000096.4 (MANE Select); coding-DNA position 811, C replaced by T.
Protein change: p.Pro271Ser; replaces proline 271 with serine.
Molecular consequence: missense variant. On other transcripts: non-coding transcript variant (1).
Genome position (GRCh38, 1-based): chr3:149,207,588, G>A on the plus strand (C>T on the coding strand, the complement: CP is on the minus strand). VCF-style: chr3-149207588-G-A. GRCh37 (hg19) VCF-style: chr3-148925375-G-A.
Other names: short protein forms P271S.
Identifiers: ClinVar variation 939239 (VCV000939239.10), dbSNP rs774692355, ClinGen allele CA2661217.
Genomic context (GRCh38, chr3:149,207,588, plus strand): 5'-CATTACCCATACCAAAAAGGTACCATTTTACTCTGTCTTCAGCACACATGGAGAGTCCTG[G>A]GAGACTTCCAAAAGTGTATCCATTCACAGCTGTAAGTCAAGAGCAGAGTTTGTGACTAAG-3'
Protein context (NP_000087.2, residues 261-281): SVNGYTFGSL[Pro271Ser]GLSMCAEDRV

ClinVar aggregate classification (germline): Uncertain significance. Review status: criteria provided, multiple submitters, no conflicts (2 of 4 stars). 2 submissions from 2 submitters: Uncertain significance (2). Last evaluated 2025-02-18.

Conditions:
Deficiency of ferroxidase (ACEP). Also called: Deficiency of ceruloplasmin; NEURODEGENERATION WITH BRAIN IRON ACCUMULATION 10; Ceruloplasmin deficiency; Familial apoceruloplasmin deficiency; Hereditary ceruloplasmin deficiency; Aceruloplasminemia. Identifiers: Orphanet 48818, MedGen C0878682, MONDO:0011426, OMIM 604290, HP:0025498.

Allele frequency attached by ClinVar (database versions not stated): gnomAD exomes 0.00001; ExAC 0.00002.
gnomAD v4.1: 7 of 1,613,858 alleles (0.00043%); highest among the groups gnomAD compares: African/African-American, 0.0013%; no homozygotes.

Submissions (2):

Clinical Genomics Laboratory, Washington University in St. Louis
Classification: Uncertain significance for Deficiency of ferroxidase. Last evaluated: 2025-02-18. Review status: criteria provided, single submitter. Criteria: ACMG Guidelines, 2015. Collection method: clinical testing. Allele origin: germline.
Comment: A CP c.811C>T (p.Pro271Ser) variant was identified in a heterozygous state. This variant, to our knowledge, has not been reported in the medical literature. This variant has been reported in the ClinVar database as a germline variant of uncertain significance by one submitter (ClinVar Variation ID: 939239). It is only observed on 3/251,226 alleles in the general population (gnomAD v2.1.1), indicating it is not a common variant. Computational predictors indicate that the variant is damaging, evidence that correlates with impact to CP function. Due to limited information, and based on the ACMG/AMP guidelines for variant interpretation (Richards S et al., PMID: 25741868), the clinical significance of the CP c.811C>T (p.Pro271Ser) variant is uncertain at this time.

Labcorp Genetics (formerly Invitae), Labcorp
Classification: Uncertain significance for Deficiency of ferroxidase. Last evaluated: 2019-07-26. Review status: criteria provided, single submitter. Criteria: Invitae Variant Classification Sherloc (09022015). Collection method: clinical testing. Allele origin: germline.
Comment: In summary, the available evidence is currently insufficient to determine the role of this variant in disease. Therefore, it has been classified as a Variant of Uncertain Significance. Algorithms developed to predict the effect of missense changes on protein structure and function (SIFT, PolyPhen-2, Align-GVGD) all suggest that this variant is likely to be disruptive, but these predictions have not been confirmed by published functional studies and their clinical significance is uncertain. This variant has not been reported in the literature in individuals with CP-related conditions. This variant is present in population databases (rs774692355, ExAC 0.003%). This sequence change replaces proline with serine at codon 271 of the CP protein (p.Pro271Ser). The proline residue is highly conserved and there is a moderate physicochemical difference between proline and serine.